The following is an entry in ClinVar:

NM_001620.3(AHNAK):c.13907T>C (p.Ile4636Thr)

Gene: AHNAK (AHNAK nucleoprotein; minus strand). Cytogenetic location: 11q12.3.
Variant type: single nucleotide variant.
Coding change: c.13907T>C on transcript NM_001620.3 (MANE Select); coding-DNA position 13907, T replaced by C.
Protein change: p.Ile4636Thr; replaces isoleucine 4636 with threonine.
Molecular consequence: missense variant. On other transcripts: intron variant (1).
Genome position (GRCh38, 1-based): chr11:62,520,510, A>G on the plus strand (T>C on the coding strand, the complement: AHNAK is on the minus strand). VCF-style: chr11-62520510-A-G. GRCh37 (hg19) VCF-style: chr11-62287982-A-G.
Other names: c.13907T>C (NM_001620.1); c.13907T>C, p.Ile4636Thr (NM_001346445.2, NM_001346446.2); c.342+14493T>C (NM_024060.4); short protein forms I4636T.
Identifiers: ClinVar variation 3771264 (VCV003771264.13).

ClinVar aggregate classification (germline): Conflicting classifications of pathogenicity. Review status: criteria provided, conflicting classifications (1 of 4 stars). 2 submissions from 2 submitters: Uncertain significance (1); Benign (1). Last evaluated 2025-10-02.

gnomAD v4.1: 245 of 1,613,970 alleles (0.015%); highest among the groups gnomAD compares: African/African-American, 0.25%; no homozygotes.

Submissions (2):

Ambry Genetics
Classification: Uncertain significance. Last evaluated: 2025-10-02. Review status: criteria provided, single submitter. Criteria: Ambry Variant Classification Scheme 2023. Collection method: clinical testing. Allele origin: germline.

CeGaT Center for Human Genetics Tuebingen
Classification: Benign. Last evaluated: 2025-02-01. Review status: criteria provided, single submitter. Criteria: CeGaT Center For Human Genetics Tuebingen Variant Classification Criteria Version 2. Collection method: clinical testing. Allele origin: germline. Affected: yes. Observed: 1 variant allele.
Comment: AHNAK: BP4, BS1, BS2